The following is an entry in ClinVar:

ClinVar aggregate classification (germline): Uncertain significance. Review status: criteria provided, multiple submitters, no conflicts (2 of 4 stars). 2 submissions from 2 submitters: Uncertain significance (2). Last evaluated 2025-08-06.

Conditions:
Cardiovascular phenotype. Identifiers: MedGen CN230736.
Myofibrillar myopathy 4. Also called: Zaspopathy (type). Identifiers: Orphanet 98912, MedGen C4721886, MONDO:0012277, OMIM 609452.

gnomAD v4.1: 1 of 1,598,314 alleles (0.000063%); highest among the groups gnomAD compares: Non-Finnish European, 0.000085%; no homozygotes.

Submissions (2):

Labcorp Genetics (formerly Invitae), Labcorp
Classification: Uncertain significance for Myofibrillar myopathy 4. Last evaluated: 2025-08-06. Review status: criteria provided, single submitter. Criteria: Invitae Variant Classification Sherloc (09022015). Collection method: clinical testing. Allele origin: germline.
Comment: The LDB3 gene has multiple clinically relevant transcripts. This variant occurs in alternate transcript NM_007078.3, and corresponds to NM_001080116.1:c.*17007A>T in the primary transcript. This sequence change replaces tyrosine, which is neutral and polar, with phenylalanine, which is neutral and non-polar, at codon 429 of the LDB3 protein (p.Tyr429Phe). This variant is not present in population databases (gnomAD no frequency). This variant has not been reported in the literature in individuals affected with LDB3-related conditions. Experimental studies and prediction algorithms are not available or were not evaluated, and the functional significance of this variant is currently unknown. In summary, the available evidence is currently insufficient to determine the role of this variant in disease. Therefore, it has been classified as a Variant of Uncertain Significance.

Ambry Genetics
Classification: Uncertain significance for Cardiovascular phenotype. Last evaluated: 2021-06-22. Review status: criteria provided, single submitter. Criteria: Ambry Variant Classification Scheme 2023. Collection method: clinical testing. Allele origin: germline.
Comment: The p.Y429F variant (also known as c.1286A>T), located in coding exon 9 of the LDB3 gene, results from an A to T substitution at nucleotide position 1286. The tyrosine at codon 429 is replaced by phenylalanine, an amino acid with highly similar properties. This amino acid position is conserved. In addition, this alteration is predicted to be tolerated by in silico analysis. Since supporting evidence is limited at this time, the clinical significance of this alteration remains unclear.

NM_007078.3(LDB3):c.1286A>T (p.Tyr429Phe)

Gene: LDB3 (LIM domain binding 3; plus strand). Cytogenetic location: 10q23.2.
Variant type: single nucleotide variant.
Coding change: c.1286A>T on transcript NM_007078.3 (MANE Select); coding-DNA position 1286, A replaced by T.
Protein change: p.Tyr429Phe; replaces tyrosine 429 with phenylalanine.
Molecular consequence: missense variant.
Genome position (GRCh38, 1-based): chr10:86,716,381, A>T. VCF-style: chr10-86716381-A-T. GRCh37 (hg19) VCF-style: chr10-88476138-A-T.
Other names: c.956A>T, p.Tyr319Phe (NM_001080114.2); c.1301A>T, p.Tyr434Phe (NM_001171610.2); c.1097A>T, p.Tyr366Phe (NM_001368064.1, NM_001368065.1); c.1145A>T, p.Tyr382Phe (NM_001368066.1); short protein forms Y319F, Y382F, Y429F, Y366F, Y434F.
Identifiers: ClinVar variation 1768972 (VCV001768972.3), dbSNP rs890033080, ClinGen allele CA211204894.